The following is an entry in ClinVar:

ClinVar aggregate classification (germline): Uncertain significance (1 of 4 stars; one submission).

gnomAD v4.1: 1 of 1,614,066 alleles (0.000062%); no homozygotes.

Submission:

Labcorp Genetics (formerly Invitae), Labcorp
Classification: Uncertain significance. Last evaluated: 2024-12-17. Review status: criteria provided, single submitter. Criteria: Invitae Variant Classification Sherloc (09022015). Collection method: clinical testing. Allele origin: germline.
Comment: This sequence change replaces serine, which is neutral and polar, with threonine, which is neutral and polar, at codon 1501 of the SMARCA2 protein (p.Ser1501Thr). This variant is not present in population databases (gnomAD no frequency). This variant has not been reported in the literature in individuals affected with SMARCA2-related conditions. Invitae Evidence Modeling of protein sequence and biophysical properties (such as structural, functional, and spatial information, amino acid conservation, physicochemical variation, residue mobility, and thermodynamic stability) indicates that this missense variant is not expected to disrupt SMARCA2 protein function with a negative predictive value of 80%. In summary, the available evidence is currently insufficient to determine the role of this variant in disease. Therefore, it has been classified as a Variant of Uncertain Significance.

NM_003070.5(SMARCA2):c.4502G>C (p.Ser1501Thr)

Gene: SMARCA2 (SWI/SNF related BAF chromatin remodeling complex subunit ATPase 2; plus strand). Cytogenetic location: 9p24.3.
Variant type: single nucleotide variant.
Coding change: c.4502G>C on transcript NM_003070.5 (MANE Select); coding-DNA position 4502, G replaced by C.
Protein change: p.Ser1501Thr; replaces serine 1501 with threonine.
Molecular consequence: missense variant.
Genome position (GRCh38, 1-based): chr9:2,186,136, G>C. VCF-style: chr9-2186136-G-C. GRCh37 (hg19) VCF-style: chr9-2186136-G-C.
Other names: c.4502G>C, p.Ser1501Thr (NM_001289396.2); c.4274G>C, p.Ser1425Thr (NM_001289397.2); c.476G>C, p.Ser159Thr (NM_001289398.2); c.560G>C, p.Ser187Thr (NM_001289399.2); c.566G>C, p.Ser189Thr (NM_001289400.2); c.4448G>C, p.Ser1483Thr (NM_139045.4); short protein forms S189T, S1483T, S1501T, S159T, S1425T, S187T.
Identifiers: ClinVar variation 3665109 (VCV003665109.2).